The following is an entry in ClinVar:

NM_001110556.2(FLNA):c.5660C>A (p.Thr1887Asn)

Gene: FLNA (filamin A; minus strand). Cytogenetic location: Xq28.
Variant type: single nucleotide variant.
Coding change: c.5660C>A on transcript NM_001110556.2 (MANE Select); coding-DNA position 5660, C replaced by A.
Protein change: p.Thr1887Asn; replaces threonine 1887 with asparagine.
Molecular consequence: missense variant.
Genome position (GRCh38, 1-based): chrX:154,353,941, G>T on the plus strand (C>A on the coding strand, the complement: FLNA is on the minus strand). VCF-style: chrX-154353941-G-T. GRCh37 (hg19) VCF-style: chrX-153582309-G-T.
Other names: c.5636C>A, p.Thr1879Asn (NM_001456.4); short protein forms T1887N, T1879N.
Identifiers: ClinVar variation 2929044 (VCV002929044.3), dbSNP rs2522725674, ClinGen allele CA415200349.

ClinVar aggregate classification (germline): Uncertain significance (1 of 4 stars; one submission).

Conditions:
Oto-palato-digital syndrome, type II (OPD2). Also called: Otopalatodigital Syndrome Type 2 (FLNA-OPD2); FACIOPALATOOSSEOUS SYNDROME; OPD II SYNDROME; Otopalatodigital Syndrome, Type II. Identifiers: Orphanet 669, Orphanet 90652, MedGen C1844696, MONDO:0010571, OMIM 304120.
Heterotopia, periventricular, X-linked dominant (PVNH1). Also called: PERIVENTRICULAR NODULAR HETEROTOPIA 1; X-linked periventricular heterotopia; PERIVENTRICULAR NODULAR HETEROTOPIA 4; HETEROTOPIA, PERIVENTRICULAR, 1. Identifiers: Orphanet 2149, Orphanet 82004, MedGen C1848213, MONDO:0010233, OMIM 300049.
Melnick-Needles syndrome (MNS). Also called: Melnick-Needles Syndrome (FLNA-MNS); MELNICK-NEEDLES OSTEODYSPLASTY; OSTEODYSPLASTY OF MELNICK AND NEEDLES. Identifiers: Orphanet 2484, MedGen C0025237, MONDO:0010650, OMIM 309350.
Frontometaphyseal dysplasia (FMD1). Identifiers: Orphanet 1826, MedGen C0265293, MONDO:0015942.

Allele frequency attached by ClinVar (database versions not stated): gnomAD exomes below 0.00001.
gnomAD v4.1: 2 of 1,212,229 alleles (0.00016%); highest among the groups gnomAD compares: South Asian, 0.0018%; no homozygotes.

Submission:

Labcorp Genetics (formerly Invitae), Labcorp
Classification: Uncertain significance for Oto-palato-digital syndrome, type II; Heterotopia, periventricular, X-linked dominant; Frontometaphyseal dysplasia; Melnick-Needles syndrome. Last evaluated: 2024-08-13. Review status: criteria provided, single submitter. Criteria: Invitae Variant Classification Sherloc (09022015). Collection method: clinical testing. Allele origin: germline.
Comment: This sequence change replaces threonine, which is neutral and polar, with asparagine, which is neutral and polar, at codon 1879 of the FLNA protein (p.Thr1879Asn). This variant is not present in population databases (gnomAD no frequency). This variant has not been reported in the literature in individuals affected with FLNA-related conditions. Advanced modeling of protein sequence and biophysical properties (such as structural, functional, and spatial information, amino acid conservation, physicochemical variation, residue mobility, and thermodynamic stability) performed at Invitae indicates that this missense variant is not expected to disrupt FLNA protein function with a negative predictive value of 95%. In summary, the available evidence is currently insufficient to determine the role of this variant in disease. Therefore, it has been classified as a Variant of Uncertain Significance.